The following is an entry in ClinVar:

ClinVar aggregate classification (germline): Uncertain significance (1 of 4 stars; one submission).

Conditions:
Dyskeratosis congenita, autosomal recessive 5 (DKCB5). Identifiers: MedGen C3554656, MONDO:0014076, OMIM 615190.

Submission:

Myriad Genetics, Inc.
Classification: Uncertain significance for Dyskeratosis congenita, autosomal recessive 5. Last evaluated: 2025-07-28. Review status: criteria provided, single submitter. Criteria: Myriad Autosomal Dominant, Autosomal Recessive and X-Linked Classification Criteria (2023). Collection method: clinical testing. Allele origin: unknown.
Comment: NM_001283009.1(RTEL1):c.1298_1300delGGA(R433del) is an in-frame deletion classified as a variant of uncertain significance in the context of RTEL1-related disorders. R433del has not been observed in cases with relevant disease. Relevant functional assessments of this variant are not available in the literature. R433del has not been observed in referenced population frequency databases. In summary, there is insufficient evidence to classify NM_001283009.1(RTEL1):c.1298_1300delGGA(R433del) as pathogenic or benign. Please note: this variant was assessed in the context of healthy population screening.

NM_001283009.2(RTEL1):c.1295GGA[1] (p.Arg433del)

Genes: RTEL1 (regulator of telomere elongation helicase 1; plus strand), RTEL1-TNFRSF6B (RTEL1-TNFRSF6B readthrough (NMD candidate); plus strand). Cytogenetic location: 20q13.33.
Variant type: Microsatellite.
Coding change: c.1295GGA[1] on transcript NM_001283009.2 (MANE Select); one copy of the 3-base unit GGA starting at c.1295; the reference has two copies in a row; one copy, 3 bases deleted.
Protein change: p.Arg433del; deletes arginine 433.
Molecular consequence: inframe deletion. On other transcripts: non-coding transcript variant (1).
Genome position (GRCh38, 1-based): chr20:63,685,822-63,685,824, GGA deleted; deleting any 3 consecutive bases within chr20:63,685,819-63,685,824 gives the same sequence; the position shown is the placement nearest the transcript's 3' end. VCF-style (leftmost placement, unchanged base first): chr20-63685818-CGGA-C. GRCh37 (hg19) VCF-style: chr20-62317171-CGGA-C.
Other names: c.626GGA[1], p.Arg210del (NM_001283010.1); c.1295GGA[1], p.Arg433del (NM_016434.4); c.1367GGA[1], p.Arg457del (NM_032957.5); short protein forms R433del, R210del, R457del.
Identifiers: ClinVar variation 5004072 (VCV005004072.1).